The following is an entry in ClinVar:

ClinVar aggregate classification (germline): Pathogenic (1 of 4 stars; one submission).

Conditions:
Arrhythmogenic cardiomyopathy with wooly hair and keratoderma. Also called: PALMOPLANTAR KERATODERMA WITH LEFT VENTRICULAR CARDIOMYOPATHY AND WOOLLY HAIR; Carvajal syndrome; Dilated cardiomyopathy with woolly hair and keratoderma; Arrhythmogenic cardiomyopathy with woolly hair and keratoderma. Identifiers: Orphanet 65282, MedGen C1854063, MONDO:0011581, OMIM 605676.
Arrhythmogenic right ventricular dysplasia 8 (ARVD8). Also called: Arrhythmogenic Right Ventricular Dysplasia/Cardiomyopathy 8; ARRHYTHMOGENIC RIGHT VENTRICULAR DYSPLASIA, FAMILIAL, 8; ARRHYTHMOGENIC RIGHT VENTRICULAR CARDIOMYOPATHY 8. Identifiers: MedGen C1843896, MONDO:0011831, OMIM 607450.

Submission:

Labcorp Genetics (formerly Invitae), Labcorp
Classification: Pathogenic for Arrhythmogenic cardiomyopathy with wooly hair and keratoderma; Arrhythmogenic right ventricular dysplasia 8. Last evaluated: 2024-12-27. Review status: criteria provided, single submitter. Criteria: Invitae Variant Classification Sherloc (09022015). Collection method: clinical testing. Allele origin: germline.
Comment: This sequence change creates a premature translational stop signal (p.Glu1407*) in the DSP gene. It is expected to result in an absent or disrupted protein product. Loss-of-function variants in DSP are known to be pathogenic (PMID: 20716751, 24503780, 25227139). This variant is not present in population databases (gnomAD no frequency). This variant has not been reported in the literature in individuals affected with DSP-related conditions. For these reasons, this variant has been classified as Pathogenic.

Literature cited by the submitters: PubMed 20716751; PubMed 24503780; PubMed 25227139.

NM_004415.4(DSP):c.4219G>T (p.Glu1407Ter)

Gene: DSP (desmoplakin; plus strand). Cytogenetic location: 6p24.3.
Variant type: single nucleotide variant.
Coding change: c.4219G>T on transcript NM_004415.4 (MANE Select); coding-DNA position 4219, G replaced by T.
Protein change: p.Glu1407Ter; replaces glutamic acid 1407 with a stop codon.
Molecular consequence: nonsense. On other transcripts: intron variant (2).
Genome position (GRCh38, 1-based): chr6:7,580,409, G>T. VCF-style: chr6-7580409-G-T. GRCh37 (hg19) VCF-style: chr6-7580642-G-T.
Other names: c.4050+169G>T (NM_001319034.2); c.3582+637G>T (NM_001008844.3); short protein forms E1407*.
Identifiers: ClinVar variation 3759374 (VCV003759374.2).